The following is an entry in ClinVar:

NM_000214.3(JAG1):c.896A>T (p.Tyr299Phe)

Gene: JAG1 (jagged canonical Notch ligand 1; minus strand). Cytogenetic location: 20p12.2.
Variant type: single nucleotide variant.
Coding change: c.896A>T on transcript NM_000214.3 (MANE Select); coding-DNA position 896, A replaced by T.
Protein change: p.Tyr299Phe; replaces tyrosine 299 with phenylalanine.
Molecular consequence: missense variant.
Genome position (GRCh38, 1-based): chr20:10,652,241, T>A on the plus strand (A>T on the coding strand, the complement: JAG1 is on the minus strand). VCF-style: chr20-10652241-T-A. GRCh37 (hg19) VCF-style: chr20-10632889-T-A.
Other names: short protein forms Y299F.
Identifiers: ClinVar variation 3573170 (VCV003573170.2).
Genomic context (GRCh38, chr20:10,652,241, plus strand): 5'-TTGTCAGGGCCTGTGTTGCTACAAGTTCCCCCGTTGAGACACGGCTGATGAGTCCCACAG[T>A]AATTGAGATCTGCCAAAAAGATCCTGGAGTCACTAAGAGACGCCTGTGAAGATGGCGAAC-3'
Protein context (NP_000205.1, residues 289-309): GGQLCDKDLN[Tyr299Phe]CGTHQPCLNG

Conditions:
Arteriohepatic dysplasia. Also called: Alagille Syndrome. Identifiers: Orphanet 52, MedGen C0085280, MeSH D016738, MONDO:0007318.

Submission:

Gilbert/Spinner Lab, Children's Hospital of Philadelphia
No classification provided (evidence only). Condition: Alagille syndrome. Review status: no classification provided. Collection method: research. Allele origin: not applicable. Functional consequence: functionally_abnormal.
ClinVar note: "not provided" was previously submitted as the classification for the variant. However, the classification appeared to be based only on an observation of functional data so it was converted to no classification on 2025-07-30.